The following is an entry in ClinVar:

NM_014236.4(GNPAT):c.1428del (p.Met477fs)

Gene: GNPAT (glyceronephosphate O-acyltransferase; plus strand). Cytogenetic location: 1q42.2.
Variant type: Deletion.
Coding change: c.1428del on transcript NM_014236.4 (MANE Select); coding-DNA position 1428, one base deleted (C; older notation c.1428delC).
Protein change: p.Met477fs; shifts the reading frame from methionine 477.
Molecular consequence: frameshift variant.
Genome position (GRCh38, 1-based): chr1:231,270,906, C deleted. VCF-style (leftmost placement, unchanged base first): chr1-231270905-TC-T. GRCh37 (hg19) VCF-style: chr1-231406651-TC-T.
Other names: c.1245del, p.Met416fs (NM_001316350.2); short protein forms M416fs, M477fs.
Identifiers: ClinVar variation 2734108 (VCV002734108.3), dbSNP rs2527037165, ClinGen allele CA913203513.

ClinVar aggregate classification (germline): Pathogenic (1 of 4 stars; one submission).

Submission:

Labcorp Genetics (formerly Invitae), Labcorp
Classification: Pathogenic. Last evaluated: 2023-08-16. Review status: criteria provided, single submitter. Criteria: Invitae Variant Classification Sherloc (09022015). Collection method: clinical testing. Allele origin: germline.
Comment: For these reasons, this variant has been classified as Pathogenic. Algorithms developed to predict the effect of sequence changes on RNA splicing suggest that this variant may create or strengthen a splice site. This premature translational stop signal has been observed in individual(s) with rhizomelic chondrodysplasia punctata (PMID: 20583171). This variant is not present in population databases (gnomAD no frequency). This sequence change creates a premature translational stop signal (p.Met477Cysfs*18) in the GNPAT gene. It is expected to result in an absent or disrupted protein product. Loss-of-function variants in GNPAT are known to be pathogenic (PMID: 9536089, 21990100).

Literature cited by the submitters: PubMed 20583171; PubMed 9536089; PubMed 21990100.